The following is an entry in ClinVar:

ClinVar aggregate classification (germline): Likely benign (1 of 4 stars; one submission).

gnomAD v4.1: 6 of 1,531,954 alleles (0.00039%); highest among the groups gnomAD compares: Admixed American, 0.012%; no homozygotes.

Submission:

CeGaT Center for Human Genetics Tuebingen
Classification: Likely benign. Last evaluated: 2025-11-01. Review status: criteria provided, single submitter. Criteria: CeGaT Center For Human Genetics Tuebingen Variant Classification Criteria Version 2. Collection method: clinical testing. Allele origin: germline. Affected: yes. Observed: 1 variant allele.
Comment: ALOX5AP: BP4, BP7

NM_001204406.2(ALOX5AP):c.9A>G (p.Thr3=)

Gene: ALOX5AP (arachidonate 5-lipoxygenase activating protein; plus strand). Cytogenetic location: 13q12.3.
Variant type: single nucleotide variant.
Coding change: c.9A>G on transcript NM_001204406.2; coding-DNA position 9, A replaced by G.
Protein change: p.Thr3=; no amino-acid change (threonine 3 retained).
Molecular consequence: synonymous variant.
Genome position (GRCh38, 1-based): chr13:30,713,734, A>G. VCF-style: chr13-30713734-A-G. GRCh37 (hg19) VCF-style: chr13-31287871-A-G.
Identifiers: ClinVar variation 4535141 (VCV004535141.6).